The following is an entry in ClinVar:

ClinVar aggregate classification (germline): Uncertain significance (0 of 4 stars; one submission).

Conditions:
DNMT3A-related disorder. Also called: DNMT3A-related condition; DNMT3A-related disorders.

Submission:

PreventionGenetics, part of Exact Sciences
Classification: Uncertain significance for DNMT3A-related condition. Last evaluated: 2024-08-06. Review status: no assertion criteria provided. Collection method: clinical testing. Allele origin: germline.
Comment: The DNMT3A c.483G>A variant is predicted to result in the amino acid substitution p.Met161Ile. To our knowledge, this variant has not been reported in the literature or in a large population database, indicating this variant is rare. At this time, the clinical significance of this variant is uncertain due to the absence of conclusive functional and genetic evidence.

NM_022552.5(DNMT3A):c.483G>A (p.Met161Ile)

Genes: DNMT3A (DNA methyltransferase 3 alpha; minus strand), LOC129933290 (ATAC-STARR-seq lymphoblastoid active region 15445; plus strand). Cytogenetic location: 2p23.3.
Variant type: single nucleotide variant.
Coding change: c.483G>A on transcript NM_022552.5 (MANE Select); coding-DNA position 483, G replaced by A.
Protein change: p.Met161Ile; replaces methionine 161 with isoleucine.
Molecular consequence: missense variant. On other transcripts: non-coding transcript variant (1).
Genome position (GRCh38, 1-based): chr2:25,275,509, C>T on the plus strand (G>A on the coding strand, the complement: DNMT3A is on the minus strand). VCF-style: chr2-25275509-C-T. GRCh37 (hg19) VCF-style: chr2-25498378-C-T.
Other names: c.483G>A, p.Met161Ile (NM_175629.2); short protein forms M161I.
Identifiers: ClinVar variation 3345496 (VCV003345496.1).